The following is an entry in ClinVar:

ClinVar aggregate classification (germline): Uncertain significance (1 of 4 stars; one submission).

Conditions:
Pitt-Hopkins-like syndrome 2 (PTHSL2). Identifiers: Orphanet 221150, Orphanet 600663, MedGen C3280479, MONDO:0013690, OMIM 614325.

Submission:

Labcorp Genetics (formerly Invitae), Labcorp
Classification: Uncertain significance for Pitt-Hopkins-like syndrome 2. Last evaluated: 2022-08-15. Review status: criteria provided, single submitter. Criteria: Invitae Variant Classification Sherloc (09022015). Collection method: clinical testing. Allele origin: germline.
Comment: This sequence change replaces aspartic acid, which is acidic and polar, with glycine, which is neutral and non-polar, at codon 979 of the NRXN1 protein (p.Asp979Gly). This variant is not present in population databases (gnomAD no frequency). This variant has not been reported in the literature in individuals affected with NRXN1-related conditions. Algorithms developed to predict the effect of missense changes on protein structure and function are either unavailable or do not agree on the potential impact of this missense change (SIFT: "Tolerated"; PolyPhen-2: "Possibly Damaging"; Align-GVGD: "Class C0"). Algorithms developed to predict the effect of sequence changes on RNA splicing suggest that this variant may create or strengthen a splice site. In summary, the available evidence is currently insufficient to determine the role of this variant in disease. Therefore, it has been classified as a Variant of Uncertain Significance.

NM_001330078.2(NRXN1):c.2816A>G (p.Asp939Gly)

Gene: NRXN1 (neurexin 1; minus strand). Cytogenetic location: 2p16.3.
Variant type: single nucleotide variant.
Coding change: c.2816A>G on transcript NM_001330078.2 (MANE Select); coding-DNA position 2816, A replaced by G.
Protein change: p.Asp939Gly; replaces aspartic acid 939 with glycine.
Molecular consequence: missense variant.
Genome position (GRCh38, 1-based): chr2:50,497,396, T>C on the plus strand (A>G on the coding strand, the complement: NRXN1 is on the minus strand). VCF-style: chr2-50497396-T-C. GRCh37 (hg19) VCF-style: chr2-50724534-T-C.
Other names: c.2936A>G, p.Asp979Gly (NM_001135659.3); c.2792A>G, p.Asp931Gly (NM_001330077.2, NM_001330082.2); c.2750A>G, p.Asp917Gly (NM_001330083.2, NM_001330084.2); c.2789A>G, p.Asp930Gly (NM_001330085.2); c.2816A>G, p.Asp939Gly (NM_001330086.2, NM_004801.6); c.2705A>G, p.Asp902Gly (NM_001330087.2, NM_001330096.2); c.2735A>G, p.Asp912Gly (NM_001330088.2); c.2813A>G, p.Asp938Gly (NM_001330093.2); and 2 more; short protein forms D917G, D930G, D931G, D938G, D979G, D902G, D912G, D935G.
Identifiers: ClinVar variation 2097129 (VCV002097129.4), dbSNP rs2468912123, ClinGen allele CA346776813.